The following is an entry in ClinVar:

ClinVar aggregate classification (germline): Likely benign (1 of 4 stars; one submission).

Submission:

CeGaT Center for Human Genetics Tuebingen
Classification: Likely benign. Last evaluated: 2023-02-01. Review status: criteria provided, single submitter. Criteria: CeGaT Center For Human Genetics Tuebingen Variant Classification Criteria Version 2. Collection method: clinical testing. Allele origin: germline. Affected: yes. Observed: 1 variant allele.
Comment: CLASRP: BS2

NM_007056.3(CLASRP):c.1272CTCCCG[4] (p.Arg430_Arg431insSerArg)

Gene: CLASRP (CLK4 associating serine/arginine rich protein; plus strand). Cytogenetic location: 19q13.32.
Variant type: Microsatellite.
Coding change: c.1272CTCCCG[4] on transcript NM_007056.3 (MANE Select); four copies in a row of the 6-base unit CTCCCG starting at c.1272; the reference has three copies in a row; one copy, 6 bases duplicated.
Protein change: p.Arg430_Arg431insSerArg.
Molecular consequence: inframe insertion. On other transcripts: non-coding transcript variant (1).
Genome position (GRCh38, 1-based): chr19:45,064,505-45,064,510, CTCCCG duplicated; duplicating any 6 consecutive bases within chr19:45,064,488-45,064,510 gives the same sequence; the position shown is the placement nearest the transcript's 3' end. VCF-style (leftmost placement, unchanged base first): chr19-45064487-G-GTCCCGC. GRCh37 (hg19) VCF-style: chr19-45567745-G-GTCCCGC.
Other names: c.1086CTCCCG[4], p.Arg368_Arg369insSerArg (NM_001278439.2).
Identifiers: ClinVar variation 2650094 (VCV002650094.24), dbSNP rs745561616, ClinGen allele CA9508415.